The following is an entry in ClinVar:

NM_000548.5(TSC2):c.2352A>G (p.Lys784=)

Gene: TSC2 (TSC complex subunit 2; plus strand). Cytogenetic location: 16p13.3.
Variant type: single nucleotide variant.
Coding change: c.2352A>G on transcript NM_000548.5 (MANE Select); coding-DNA position 2352, A replaced by G.
Protein change: p.Lys784=; no amino-acid change (lysine 784 retained).
Molecular consequence: synonymous variant.
Genome position (GRCh38, 1-based): chr16:2,072,980, A>G. VCF-style: chr16-2072980-A-G. GRCh37 (hg19) VCF-style: chr16-2122981-A-G.
Other names: c.2352A>G, p.Lys784= (NM_001077183.3, NM_001114382.3, NM_001363528.2 and 3 more transcripts); c.2241A>G, p.Lys747= (NM_001318827.2); c.2205A>G, p.Lys735= (NM_001318829.2); c.1752A>G, p.Lys584= (NM_001318831.2); c.2385A>G, p.Lys795= (NM_001318832.2).
Identifiers: ClinVar variation 757940 (VCV000757940.18), dbSNP rs1596350666, ClinGen allele CA492952742.
Genomic context (GRCh38, chr16:2,072,980, plus strand): 5'-GGCCGTGGTTCCAGTGCTGACAGCATTAATCTCTTACCATAACTACCTGGACAAAACCAA[A>G]CAGGTAGGAGGTCAGAGCAGGACAGGCGAGCTTGATGGGGCCTGGGATTCGAGGGCCTGG-3'
Protein context (NP_000539.2, residues 774-794): ISYHNYLDKT[Lys784=]QREMVYCLEQ

ClinVar aggregate classification (germline): Benign/Likely benign. Review status: criteria provided, multiple submitters, no conflicts (2 of 4 stars). 5 submissions from 5 submitters: Benign (2); Likely benign (3). Last evaluated 2025-05-19.

Conditions:
Hereditary cancer-predisposing syndrome. Also called: Tumor predisposition; Hereditary Cancer Syndrome; Neoplastic Syndromes, Hereditary; Hereditary neoplastic syndrome. Identifiers: Orphanet 140162, MedGen C0027672, MeSH D009386, MONDO:0015356.
Tuberous sclerosis 2 (TSC2). Identifiers: Orphanet 805, MedGen C1860707, MONDO:0013199, OMIM 613254.

Allele frequency attached by ClinVar (database versions not stated): gnomAD exomes below 0.00001.
gnomAD v4.1: 1 of 1,613,430 alleles (0.000062%); highest among the groups gnomAD compares: Non-Finnish European, 0.000085%; no homozygotes.

Submissions (5):

Myriad Genetics, Inc.
Classification: Benign for Tuberous sclerosis 2. Last evaluated: 2025-05-19. Review status: criteria provided, single submitter. Criteria: Myriad Autosomal Dominant, Autosomal Recessive and X-Linked Classification Criteria (2023). Collection method: clinical testing. Allele origin: unknown.
Comment: This variant is considered benign. This variant is a silent/synonymous amino acid change and it is not expected to impact splicing.

Labcorp Genetics (formerly Invitae), Labcorp
Classification: Likely benign for Tuberous sclerosis 2. Last evaluated: 2024-04-12. Review status: criteria provided, single submitter. Criteria: Invitae Variant Classification Sherloc (09022015). Collection method: clinical testing. Allele origin: germline.

Sema4
Classification: Likely benign for Hereditary cancer-predisposing syndrome. Last evaluated: 2022-01-31. Review status: criteria provided, single submitter. Criteria: Sema4 Curation Guidelines. Collection method: curation. Allele origin: germline.

Genome-Nilou Lab
Classification: Benign for Tuberous sclerosis 2. Last evaluated: 2021-11-07. Review status: criteria provided, single submitter. Criteria: ACMG Guidelines, 2015. Collection method: clinical testing. Allele origin: germline. Affected: no.

Ambry Genetics
Classification: Likely benign for Hereditary cancer-predisposing syndrome. Last evaluated: 2019-09-17. Review status: criteria provided, single submitter. Criteria: Ambry Variant Classification Scheme 2023. Collection method: clinical testing. Allele origin: germline.